The following is an entry in ClinVar:

NM_001278.5(CHUK):c.185T>A (p.Ile62Asn)

Gene: CHUK (component of inhibitor of nuclear factor kappa B kinase complex; minus strand). Cytogenetic location: 10q24.31.
Variant type: single nucleotide variant.
Coding change: c.185T>A on transcript NM_001278.5 (MANE Select); coding-DNA position 185, T replaced by A.
Protein change: p.Ile62Asn; replaces isoleucine 62 with asparagine.
Molecular consequence: missense variant.
Genome position (GRCh38, 1-based): chr10:100,225,938, A>T on the plus strand (T>A on the coding strand, the complement: CHUK is on the minus strand). VCF-style: chr10-100225938-A-T. GRCh37 (hg19) VCF-style: chr10-101985695-A-T.
Other names: c.185T>A, p.Ile62Asn (NM_001320928.2); short protein forms I62N.
Identifiers: ClinVar variation 2013589 (VCV002013589.4), dbSNP rs2493110538, ClinGen allele CA378156747.

ClinVar aggregate classification (germline): Uncertain significance (1 of 4 stars; one submission).

Submission:

Labcorp Genetics (formerly Invitae), Labcorp
Classification: Uncertain significance. Last evaluated: 2024-05-06. Review status: criteria provided, single submitter. Criteria: Invitae Variant Classification Sherloc (09022015). Collection method: clinical testing. Allele origin: germline.
Comment: This sequence change replaces isoleucine, which is neutral and non-polar, with asparagine, which is neutral and polar, at codon 62 of the CHUK protein (p.Ile62Asn). This variant is not present in population databases (gnomAD no frequency). This variant has not been reported in the literature in individuals affected with CHUK-related conditions. ClinVar contains an entry for this variant (Variation ID: 2013589). An algorithm developed to predict the effect of missense changes on protein structure and function (PolyPhen-2) suggests that this variant is likely to be disruptive. In summary, the available evidence is currently insufficient to determine the role of this variant in disease. Therefore, it has been classified as a Variant of Uncertain Significance.